The following is an entry in ClinVar:

NM_001436401.1(NOBOX):c.1445C>A (p.Pro482His)

Gene: NOBOX (NOBOX oogenesis homeobox; minus strand). Cytogenetic location: 7q35.
Variant type: single nucleotide variant.
Coding change: c.1445C>A on transcript NM_001436401.1 (MANE Select); coding-DNA position 1445, C replaced by A.
Protein change: p.Pro482His; replaces proline 482 with histidine.
Molecular consequence: missense variant.
Genome position (GRCh38, 1-based): chr7:144,397,520, G>T on the plus strand (C>A on the coding strand, the complement: NOBOX is on the minus strand). VCF-style: chr7-144397520-G-T. GRCh37 (hg19) VCF-style: chr7-144094613-G-T.
Other names: NM_001080413.3:c.1796C>A; c.893C>A, p.Pro298His (NM_001436402.1); short protein forms P298H, P482H.
Identifiers: ClinVar variation 359135 (VCV000359135.9), dbSNP rs1208216, ClinGen allele CA4544504.
Genomic context (GRCh38, chr7:144,397,520, plus strand): 5'-GGGGGATGCCCCAGAGCTTGTGGGCAGAACGGACCAGGGAAGGGCAGCTCTGGCAAACAG[G>T]GGTCACTCCAGGAGGCTGTACCTGTGGGGTCGGAGGGTGTAGGAATTACCAGACAGGATG-3'
Protein context (NP_001423330.1, residues 472-492): GNIGTASWSD[Pro482His]CLPELPFPGP

ClinVar aggregate classification (germline): Benign. Review status: criteria provided, multiple submitters, no conflicts (2 of 4 stars). 4 submissions from 4 submitters: Benign (4). Last evaluated 2021-09-05.

Conditions:
Premature ovarian failure 5 (POF5). Identifiers: MedGen C1969060, MONDO:0012689, OMIM 611548.

Allele frequency attached by ClinVar (database versions not stated): 1000 Genomes Project 30x 0.10353; 1000 Genomes Project 0.10563; TOPMed 0.11651; gnomAD 0.12390 and 0.12503; gnomAD exomes 0.14796 and 0.16267; ExAC 0.21541.
gnomAD v4.1: 243,251 of 1,533,932 alleles (16%); highest among the groups gnomAD compares: South Asian, 22%; 21,039 homozygotes.

Submissions (4):

Genome-Nilou Lab
Classification: Benign for Premature ovarian failure 5. Last evaluated: 2021-09-05. Review status: criteria provided, single submitter. Criteria: ACMG Guidelines, 2015. Collection method: clinical testing. Allele origin: germline. Affected: no.

Illumina Laboratory Services, Illumina
Classification: Benign for Premature ovarian failure 5. Last evaluated: 2018-01-13. Review status: criteria provided, single submitter. Criteria: ICSL Variant Classification Criteria 13 December 2019. Collection method: clinical testing. Allele origin: germline.
Comment: This variant was observed in the ICSL laboratory as part of a predisposition screen in an ostensibly healthy population. It had not been previously curated by ICSL or reported in the Human Gene Mutation Database (HGMD: prior to June 1st, 2018), and was therefore a candidate for classification through an automated scoring system. Utilizing variant allele frequency, disease prevalence and penetrance estimates, and inheritance mode, an automated score was calculated to assess if this variant is too frequent to cause the disease. Based on the score and internal cut-off values, a variant classified as benign is not then subjected to further curation. The score for this variant resulted in a classification of benign for this disease.

GeneDx
Classification: Benign. Last evaluated: 2015-03-03. Review status: criteria provided, single submitter. Criteria: GeneDx Variant Classification Process June 2021. Collection method: clinical testing. Allele origin: germline. Affected: yes.

Breakthrough Genomics
Classification: Benign. Review status: criteria provided, single submitter. Criteria: ACMG Guidelines, 2015. Collection method: not provided. Allele origin: germline. Inheritance: Autosomal dominant inheritance. Affected: yes.